The following is an entry in ClinVar:

ClinVar aggregate classification (germline): Benign/Likely benign. Review status: criteria provided, multiple submitters, no conflicts (2 of 4 stars). 8 submissions from 8 submitters: Benign (5); Likely benign (2). 1 of the submissions does not count toward it. Last evaluated 2026-02-20.

Conditions:
RB1-related disorder. Also called: RB1-related condition.
Hereditary cancer-predisposing syndrome. Also called: Neoplastic Syndromes, Hereditary; Hereditary Cancer Syndrome; Hereditary neoplastic syndrome; Tumor predisposition. Identifiers: Orphanet 140162, MedGen C0027672, MeSH D009386, MONDO:0015356.
Ovarian cancer. Also called: OVARIAN CANCER, SOMATIC. Identifiers: Orphanet 213500, MedGen C1140680, MONDO:0008170, OMIM 167000.
Retinoblastoma (RB1). Also called: RETINOBLASTOMA, SOMATIC. Identifiers: Orphanet 790, MedGen C0035335, MeSH D012175, MONDO:0008380, OMIM 180200, HP:0009919. Disease mechanism: loss of function. Inheritance: Both sporadic and heritable forms are tested..

Allele frequency attached by ClinVar (database versions not stated): TOPMed 0.00006.
gnomAD v4.1: 77 of 1,609,378 alleles (0.0048%); highest among the groups gnomAD compares: East Asian, 0.096%; 1 homozygote.

Submissions (9):

Myriad Genetics, Inc.
Classification: Benign for Retinoblastoma. Last evaluated: 2026-02-20. Review status: criteria provided, single submitter. Criteria: Myriad Autosomal Dominant, Autosomal Recessive and X-Linked Classification Criteria (2023). Collection method: clinical testing. Allele origin: unknown.
Comment: This variant is considered benign. This variant has been observed at a population frequency that is significantly greater than expected given the associated disease prevalence and penetrance. Homozygosity has been confirmed in one or more individuals. As homozygosity for pathogenic variants in this gene is generally assumed to result in embryonic lethality, this variant is unlikely to be pathogenic.

Labcorp Genetics (formerly Invitae), Labcorp
Classification: Benign for Retinoblastoma. Last evaluated: 2026-02-03. Review status: criteria provided, single submitter. Criteria: Invitae Variant Classification Sherloc (09022015). Collection method: clinical testing. Allele origin: germline.

Blueprint Genetics
Classification: Likely benign. Last evaluated: 2024-11-20. Review status: criteria provided, single submitter. Criteria: ACMG Guidelines, 2015. Collection method: clinical testing. Allele origin: germline.

Color Diagnostics, LLC DBA Color Health
Classification: Benign for Retinoblastoma. Last evaluated: 2022-05-04. Review status: criteria provided, single submitter. Criteria: ACMG Guidelines, 2015. Collection method: clinical testing. Allele origin: germline.

Laboratory of Molecular Epidemiology of Birth Defects, West China Second University Hospital, Sichuan University
Classification: Benign for Ovarian cancer. Last evaluated: 2022-01-01. Review status: criteria provided, single submitter. Criteria: ACMG Guidelines, 2015. Collection method: clinical testing. Allele origin: germline. Affected: yes.

Sema4
Classification: Benign for Hereditary cancer-predisposing syndrome. Last evaluated: 2021-09-07. Review status: criteria provided, single submitter. Criteria: Sema4 Curation Guidelines. Collection method: curation. Allele origin: germline.

Ambry Genetics
Classification: Likely benign for Hereditary cancer-predisposing syndrome. Last evaluated: 2018-05-31. Review status: criteria provided, single submitter. Criteria: Ambry Variant Classification Scheme 2023. Collection method: clinical testing. Allele origin: germline.

PreventionGenetics, part of Exact Sciences
Classification: Likely benign for RB1-related condition. Last evaluated: 2020-04-20. Review status: no assertion criteria provided. Collection method: clinical testing. Allele origin: germline. Not counted in ClinVar's aggregate classification.
Comment: This variant is classified as likely benign based on ACMG/AMP sequence variant interpretation guidelines (Richards et al. 2015 PMID: 25741868, with internal and published modifications).

Dr. Peter K. Rogan Lab, Western University
No classification provided (evidence only). Condition: Gastric cancer. Review status: no classification provided. Collection method: in vitro. Allele origin: not applicable. Functional consequence: retained intron. Not counted in ClinVar's aggregate classification.

NM_000321.3(RB1):c.2455C>G (p.Leu819Val)

Gene: RB1 (RB transcriptional corepressor 1; plus strand). Cytogenetic location: 13q14.2.
Variant type: single nucleotide variant.
Coding change: c.2455C>G on transcript NM_000321.3 (MANE Select); coding-DNA position 2455, C replaced by G.
Protein change: p.Leu819Val; replaces leucine 819 with valine.
Molecular consequence: missense variant.
Genome position (GRCh38, 1-based): chr13:48,465,334, C>G. VCF-style: chr13-48465334-C-G. GRCh37 (hg19) VCF-style: chr13-49039470-C-G.
Other names: short protein forms L819V.
Identifiers: ClinVar variation 458149 (VCV000458149.24), dbSNP rs375751988, ClinGen allele CA035571.